The following is an entry in ClinVar:

ClinVar aggregate classification (germline): Benign. Review status: criteria provided, multiple submitters, no conflicts (2 of 4 stars). 3 submissions from 3 submitters: Benign (3). Last evaluated 2025-10-01.

Allele frequency attached by ClinVar (database versions not stated): ExAC 0.00307; gnomAD 0.00935; ESP Exome Variant Server 0.00992; TOPMed 0.01117; 1000 Genomes Project 0.01258; 1000 Genomes Project 30x 0.01515.
gnomAD v4.1: 2,967 of 1,613,072 alleles (0.18%); highest among the groups gnomAD compares: African/African-American, 3.5%; 53 homozygotes.

Submissions (3):

Labcorp Genetics (formerly Invitae), Labcorp
Classification: Benign. Last evaluated: 2025-10-01. Review status: criteria provided, single submitter. Criteria: Invitae Variant Classification Sherloc (09022015). Collection method: clinical testing. Allele origin: germline.

Mayo Clinic Laboratories, Mayo Clinic
Classification: Benign. Last evaluated: 2024-02-02. Review status: criteria provided, single submitter. Criteria: ACMG Guidelines, 2015. Collection method: clinical testing. Allele origin: germline. Observed: 2 variant alleles.
Comment: BS1, BS2, BP4, BP7

Breakthrough Genomics
Classification: Benign. Review status: criteria provided, single submitter. Criteria: ACMG Guidelines, 2015. Collection method: not provided. Allele origin: germline. Inheritance: Autosomal dominant inheritance. Affected: yes.

NM_015215.4(CAMTA1):c.2391G>A (p.Ser797=)

Gene: CAMTA1 (calmodulin binding transcription activator 1; plus strand). Cytogenetic location: 1p36.23.
Variant type: single nucleotide variant.
Coding change: c.2391G>A on transcript NM_015215.4 (MANE Select); coding-DNA position 2391, G replaced by A.
Protein change: p.Ser797=; no amino-acid change (serine 797 retained).
Molecular consequence: synonymous variant.
Genome position (GRCh38, 1-based): chr1:7,664,938, G>A. VCF-style: chr1-7664938-G-A. GRCh37 (hg19) VCF-style: chr1-7724998-G-A.
Other names: p.Ser797=; c.2301G>A, p.Ser767= (NM_001349608.2, NM_001349612.2); c.2391G>A, p.Ser797= (NM_001349609.2, NM_001349610.2).
Identifiers: ClinVar variation 720979 (VCV000720979.11), dbSNP rs61742693, ClinGen allele CA566630.